The following is an entry in ClinVar:

ClinVar aggregate classification (germline): Pathogenic (1 of 4 stars; one submission).

Submission:

Labcorp Genetics (formerly Invitae), Labcorp
Classification: Pathogenic. Last evaluated: 2022-10-08. Review status: criteria provided, single submitter. Criteria: Invitae Variant Classification Sherloc (09022015). Collection method: clinical testing. Allele origin: germline.
Comment: This sequence change creates a premature translational stop signal (p.Gly513Alafs*8) in the COL4A1 gene. It is expected to result in an absent or disrupted protein product. Loss-of-function variants in COL4A1 are known to be pathogenic (PMID: 23225343). This variant is not present in population databases (gnomAD no frequency). This variant has not been reported in the literature in individuals affected with COL4A1-related conditions. Algorithms developed to predict the effect of sequence changes on RNA splicing suggest that this variant may disrupt the consensus splice site. For these reasons, this variant has been classified as Pathogenic.

Literature cited by the submitters: PubMed 23225343.

NM_001845.6(COL4A1):c.1536del (p.Gly513fs)

Gene: COL4A1 (collagen type IV alpha 1 chain; minus strand). Cytogenetic location: 13q34.
Variant type: Deletion.
Coding change: c.1536del on transcript NM_001845.6 (MANE Select); coding-DNA position 1536, one base deleted (A; older notation c.1536delA).
Protein change: p.Gly513fs; shifts the reading frame from glycine 513.
Molecular consequence: frameshift variant.
Genome position (GRCh38, 1-based): chr13:110,192,214, T deleted on the plus strand (A on the coding strand, the reverse complement: COL4A1 is on the minus strand). VCF-style (leftmost placement, unchanged base first): chr13-110192213-CT-C. GRCh37 (hg19) VCF-style: chr13-110844560-CT-C.
Other names: c.1536del, p.Leu513fs (NM_001303110.2); short protein forms G513fs, L513fs.
Identifiers: ClinVar variation 2034745 (VCV002034745.4), dbSNP rs2495327532, ClinGen allele CA2580087098.
Genomic context (GRCh38, chr13:110,192,213, plus strand): 5'-TCTGTCCACGTGCTTGGTGGCAACTTCTGATATGTACATGAACTCAGACAGGTTTACTTA[CT>C]GGCACTCCTGCAACACCATCTCTGCCAGGCAAACCTCTGTCGCCCTTGGCCCCTGGCTGC-3'